The following is an entry in ClinVar:

ClinVar aggregate classification (germline): Uncertain significance (1 of 4 stars; one submission).

Allele frequency attached by ClinVar (database versions not stated): gnomAD exomes 0.00001.
gnomAD v4.1: 12 of 1,612,004 alleles (0.00074%); highest among the groups gnomAD compares: Non-Finnish European, 0.00093%; no homozygotes.

Submission:

CeGaT Center for Human Genetics Tuebingen
Classification: Uncertain significance. Last evaluated: 2022-03-01. Review status: criteria provided, single submitter. Criteria: CeGaT Center For Human Genetics Tuebingen Variant Classification Criteria Version 2. Collection method: clinical testing. Allele origin: germline. Affected: yes. Observed: 1 variant allele.
Comment: CRB1: PM2, PM3

NM_201253.3(CRB1):c.3871G>A (p.Gly1291Arg)

Gene: CRB1 (crumbs cell polarity complex component 1; plus strand). Cytogenetic location: 1q31.3.
Variant type: single nucleotide variant.
Coding change: c.3871G>A on transcript NM_201253.3 (MANE Select); coding-DNA position 3871, G replaced by A.
Protein change: p.Gly1291Arg; replaces glycine 1291 with arginine.
Molecular consequence: missense variant. On other transcripts: non-coding transcript variant (2).
Genome position (GRCh38, 1-based): chr1:197,438,668, G>A. VCF-style: chr1-197438668-G-A. GRCh37 (hg19) VCF-style: chr1-197407798-G-A.
Other names: c.3535G>A, p.Gly1179Arg (NM_001193640.2); c.3799G>A, p.Gly1267Arg (NM_001257965.2); c.2263G>A, p.Gly755Arg (NM_001257966.2); short protein forms G1179R, G1267R, G1291R, G755R.
Identifiers: ClinVar variation 2639711 (VCV002639711.24), dbSNP rs2528223336, ClinGen allele CA344051028.